The following is an entry in ClinVar:

NM_004656.4(BAP1):c.1534C>T (p.Arg512Cys)

Gene: BAP1 (BRCA1 associated deubiquitinase 1; minus strand). Cytogenetic location: 3p21.1.
Variant type: single nucleotide variant.
Coding change: c.1534C>T on transcript NM_004656.4 (MANE Select); coding-DNA position 1534, C replaced by T.
Protein change: p.Arg512Cys; replaces arginine 512 with cysteine.
Molecular consequence: missense variant.
Genome position (GRCh38, 1-based): chr3:52,403,611, G>A on the plus strand (C>T on the coding strand, the complement: BAP1 is on the minus strand). VCF-style: chr3-52403611-G-A. GRCh37 (hg19) VCF-style: chr3-52437627-G-A.
Other names: short protein forms R512C.
Identifiers: ClinVar variation 926989 (VCV000926989.13), dbSNP rs747938225, ClinGen allele CA2436785.

ClinVar aggregate classification (germline): Uncertain significance. Review status: criteria provided, multiple submitters, no conflicts (2 of 4 stars). 3 submissions from 3 submitters: Uncertain significance (3). Last evaluated 2025-10-28.

Conditions:
Hereditary cancer-predisposing syndrome. Also called: Neoplastic Syndromes, Hereditary; Tumor predisposition; Hereditary Cancer Syndrome; Hereditary neoplastic syndrome. Identifiers: Orphanet 140162, MedGen C0027672, MeSH D009386, MONDO:0015356.
BAP1-related tumor predisposition syndrome (TPDS1). Also called: Tumor susceptibility linked to germline BAP1 mutations; COMMON Syndrome; TUMOR PREDISPOSITION SYNDROME 1; BAP1 tumor predisposition syndrome. Identifiers: Orphanet 289539, MedGen C3280492, MONDO:0013692, OMIM 614327.

Allele frequency attached by ClinVar (database versions not stated): ExAC 0.00001; gnomAD 0.00001; gnomAD exomes 0.00001; TOPMed 0.00001.

Submissions (3):

Labcorp Genetics (formerly Invitae), Labcorp
Classification: Uncertain significance for BAP1-related tumor predisposition syndrome. Last evaluated: 2025-10-28. Review status: criteria provided, single submitter. Criteria: Invitae Variant Classification Sherloc (09022015). Collection method: clinical testing. Allele origin: germline.
Comment: This sequence change replaces arginine, which is basic and polar, with cysteine, which is neutral and slightly polar, at codon 512 of the BAP1 protein (p.Arg512Cys). This variant is present in population databases (rs747938225, gnomAD 0.007%). This variant has not been reported in the literature in individuals affected with BAP1-related conditions. ClinVar contains an entry for this variant (Variation ID: 926989). Invitae Evidence Modeling of protein sequence and biophysical properties (such as structural, functional, and spatial information, amino acid conservation, physicochemical variation, residue mobility, and thermodynamic stability) indicates that this missense variant is not expected to disrupt BAP1 protein function with a negative predictive value of 80%. In summary, the available evidence is currently insufficient to determine the role of this variant in disease. Therefore, it has been classified as a Variant of Uncertain Significance.

Ambry Genetics
Classification: Uncertain significance for Hereditary cancer-predisposing syndrome. Last evaluated: 2024-12-30. Review status: criteria provided, single submitter. Criteria: Ambry Variant Classification Scheme 2023. Collection method: clinical testing. Allele origin: germline.
Comment: The p.R512C variant (also known as c.1534C>T), located in coding exon 13 of the BAP1 gene, results from a C to T substitution at nucleotide position 1534. The arginine at codon 512 is replaced by cysteine, an amino acid with highly dissimilar properties. This amino acid position is highly conserved in available vertebrate species. In addition, the in silico prediction for this alteration is inconclusive. Based on the available evidence, the clinical significance of this variant remains unclear.

Color Diagnostics, LLC DBA Color Health
Classification: Uncertain significance for Hereditary cancer-predisposing syndrome. Last evaluated: 2019-06-26. Review status: criteria provided, single submitter. Criteria: ACMG Guidelines, 2015. Collection method: clinical testing. Allele origin: germline.